The following is an entry in ClinVar:

ClinVar aggregate classification (germline): Uncertain significance (1 of 4 stars; one submission).

Conditions:
Arrhythmogenic right ventricular dysplasia 8 (ARVD8). Also called: Arrhythmogenic Right Ventricular Dysplasia/Cardiomyopathy 8; ARRHYTHMOGENIC RIGHT VENTRICULAR DYSPLASIA, FAMILIAL, 8; ARRHYTHMOGENIC RIGHT VENTRICULAR CARDIOMYOPATHY 8. Identifiers: MedGen C1843896, MONDO:0011831, OMIM 607450.
Arrhythmogenic cardiomyopathy with wooly hair and keratoderma. Also called: PALMOPLANTAR KERATODERMA WITH LEFT VENTRICULAR CARDIOMYOPATHY AND WOOLLY HAIR; Dilated cardiomyopathy with woolly hair and keratoderma; Arrhythmogenic cardiomyopathy with woolly hair and keratoderma; Carvajal syndrome. Identifiers: Orphanet 65282, MedGen C1854063, MONDO:0011581, OMIM 605676.

Submission:

Labcorp Genetics (formerly Invitae), Labcorp
Classification: Uncertain significance for Arrhythmogenic cardiomyopathy with wooly hair and keratoderma; Arrhythmogenic right ventricular dysplasia 8. Last evaluated: 2025-10-17. Review status: criteria provided, single submitter. Criteria: Invitae Variant Classification Sherloc (09022015). Collection method: clinical testing. Allele origin: germline.
Comment: This sequence change replaces leucine, which is neutral and non-polar, with serine, which is neutral and polar, at codon 2039 of the DSP protein (p.Leu2039Ser). This variant is not present in population databases (gnomAD no frequency). This variant has not been reported in the literature in individuals affected with DSP-related conditions. An algorithm developed to predict the effect of missense changes on protein structure and function (PolyPhen-2) suggests that this variant is likely to be disruptive. In summary, the available evidence is currently insufficient to determine the role of this variant in disease. Therefore, it has been classified as a Variant of Uncertain Significance.

NM_004415.4(DSP):c.6116T>C (p.Leu2039Ser)

Gene: DSP (desmoplakin; plus strand). Cytogenetic location: 6p24.3.
Variant type: single nucleotide variant.
Coding change: c.6116T>C on transcript NM_004415.4 (MANE Select); coding-DNA position 6116, T replaced by C.
Protein change: p.Leu2039Ser; replaces leucine 2039 with serine.
Molecular consequence: missense variant.
Genome position (GRCh38, 1-based): chr6:7,583,378, T>C. VCF-style: chr6-7583378-T-C. GRCh37 (hg19) VCF-style: chr6-7583611-T-C.
Other names: c.4319T>C, p.Leu1440Ser (NM_001008844.3); c.4787T>C, p.Leu1596Ser (NM_001319034.2); short protein forms L1440S, L1596S, L2039S.
Identifiers: ClinVar variation 4794303 (VCV004794303.1).